The following is an entry in ClinVar:

ClinVar aggregate classification (germline): Pathogenic (1 of 4 stars; one submission).

Conditions:
Fabry disease. Also called: Fabry's disease; ALPHA-GALACTOSIDASE A DEFICIENCY; ANDERSON-FABRY DISEASE; CERAMIDE TRIHEXOSIDASE DEFICIENCY; GLA DEFICIENCY; HEREDITARY DYSTOPIC LIPIDOSIS. Identifiers: Orphanet 324, MedGen C0002986, MONDO:0010526, OMIM 301500, HP:0001071. Disease mechanism: Fabry disease is due to inactivating mutations in the X-linked GLA gene resulting in deficiency of the enzyme Alpha Galactosidase-A., loss of function.

Submission:

Genomenon, Inc
Classification: Pathogenic for Fabry disease. Last evaluated: 2026-09-08. Review status: criteria provided, single submitter. Criteria: Genomenon Sequence Variant Interpretation Standards - Updated. Collection method: curation. Allele origin: germline. Affected: yes.
Comment: GLA p.Ala73GlnfsTer47 (c.217_228delinsCAGAGCCA) is a frameshift variant that is predicted to introduce a premature termination codon and result in a truncated or absent protein product. This variant has been observed in at least one proband with clinical features consistent with Fabry disease (PMID:9100224). It is absent or not present at a significant frequency in gnomAD. In conclusion, we classify GLA p.Ala73GlnfsTer47 (c.217_228delinsCAGAGCCA) as a pathogenic variant.

Literature cited by the submitters: PubMed 9100224.

NM_000169.3(GLA):c.217_228delinsCAGAGCCA (p.Ala73fs)

Genes: GLA (galactosidase alpha; minus strand), RPL36A-HNRNPH2 (RPL36A-HNRNPH2 readthrough; plus strand). Cytogenetic location: Xq22.1.
Variant type: Indel.
Coding change: c.217_228delinsCAGAGCCA on transcript NM_000169.3 (MANE Select); coding-DNA positions 217 to 228, GCAGAGCTCATG replaced by CAGAGCCA.
Protein change: p.Ala73fs; shifts the reading frame from alanine 73.
Molecular consequence: frameshift variant. On other transcripts: non-coding transcript variant (3), intron variant (2).
Genome position (GRCh38, 1-based): chrX:101,403,952-101,403,963, CATGAGCTCTGC replaced by TGGCTCTG on the plus strand (GCAGAGCTCATG replaced by CAGAGCCA on the coding strand, the reverse complement: GLA is on the minus strand). VCF-style: chrX-101403952-CATGAGCTCTGC-TGGCTCTG. GRCh37 (hg19) VCF-style: chrX-100658940-CATGAGCTCTGC-TGGCTCTG.
Other names: c.340_351delinsCAGAGCCA, p.Ala114fs (NM_001406747.1, NM_001406749.1); c.217_228delinsCAGAGCCA, p.Ala73fs (NM_001406748.1); c.301-7984_301-7973delinsTGGCTCTG (NM_001199973.2); c.178-7984_178-7973delinsTGGCTCTG (NM_001199974.2); short protein forms A114fs, A73fs.
Identifiers: ClinVar variation 4974869 (VCV004974869.1).